The following is an entry in ClinVar:

ClinVar aggregate classification (germline): Benign. Review status: criteria provided, multiple submitters, no conflicts (2 of 4 stars). 6 submissions from 4 submitters: Benign (6). Last evaluated 2023-02-08.

Conditions:
Amyotrophic lateral sclerosis type 4 (ALS4). Also called: AMYOTROPHIC LATERAL SCLEROSIS 4, JUVENILE; NEURONOPATHY, DISTAL HEREDITARY MOTOR, WITH PYRAMIDAL FEATURES. Identifiers: Orphanet 357043, MedGen C1865409, MONDO:0011223, OMIM 602433.
Spinocerebellar ataxia, autosomal recessive, with axonal neuropathy 2 (SCAN2). Also called: ATAXIA-OCULOMOTOR APRAXIA 2; Ataxia-ocular apraxia-2; Ataxia with Oculomotor Apraxia; Ataxia with Oculomotor Apraxia Type 2. Identifiers: Orphanet 64753, MedGen C1853761, MONDO:0018996, OMIM 606002.

Allele frequency attached by ClinVar (database versions not stated): gnomAD 0.09345 and 0.09499; TOPMed 0.09427; 1000 Genomes Project 0.09545; 1000 Genomes Project 30x 0.09853; gnomAD exomes 0.20606.
gnomAD v4.1: 14,855 of 154,414 alleles (9.6%); highest among the groups gnomAD compares: Middle Eastern, 21%; 818 homozygotes.

Submissions (6):

Genome-Nilou Lab
Classification: Benign for Spinocerebellar ataxia, autosomal recessive, with axonal neuropathy 2. Last evaluated: 2023-02-08. Review status: criteria provided, single submitter. Criteria: ACMG Guidelines, 2015. Collection method: clinical testing. Allele origin: germline.

Genome-Nilou Lab
Classification: Benign for Amyotrophic lateral sclerosis type 4. Last evaluated: 2023-02-08. Review status: criteria provided, single submitter. Criteria: ACMG Guidelines, 2015. Collection method: clinical testing. Allele origin: germline.

GeneDx
Classification: Benign. Last evaluated: 2021-05-16. Review status: criteria provided, single submitter. Criteria: GeneDx Variant Classification Process June 2021. Collection method: clinical testing. Allele origin: germline. Affected: yes.

Illumina Laboratory Services, Illumina
Classification: Benign for Amyotrophic lateral sclerosis type 4. Last evaluated: 2018-01-13. Review status: criteria provided, single submitter. Criteria: ICSL Variant Classification Criteria 13 December 2019. Collection method: clinical testing. Allele origin: germline.
Comment: This variant was observed in the ICSL laboratory as part of a predisposition screen in an ostensibly healthy population. It had not been previously curated by ICSL or reported in the Human Gene Mutation Database (HGMD: prior to June 1st, 2018), and was therefore a candidate for classification through an automated scoring system. Utilizing variant allele frequency, disease prevalence and penetrance estimates, and inheritance mode, an automated score was calculated to assess if this variant is too frequent to cause the disease. Based on the score and internal cut-off values, a variant classified as benign is not then subjected to further curation. The score for this variant resulted in a classification of benign for this disease.

Illumina Laboratory Services, Illumina
Classification: Benign for Spinocerebellar ataxia, autosomal recessive, with axonal neuropathy 2. Last evaluated: 2018-01-13. Review status: criteria provided, single submitter. Criteria: ICSL Variant Classification Criteria 13 December 2019. Collection method: clinical testing. Allele origin: germline.
Comment: the same text as in the submission from Illumina Laboratory Services, Illumina above.

Breakthrough Genomics
Classification: Benign. Review status: criteria provided, single submitter. Criteria: ACMG Guidelines, 2015. Collection method: not provided. Allele origin: germline. Inheritance: Autosomal recessive inheritance. Affected: yes.

NM_015046.7(SETX):c.*2262A>G

Gene: SETX (senataxin; minus strand). Cytogenetic location: 9q34.13.
Variant type: single nucleotide variant.
Coding change: c.*2262A>G on transcript NM_015046.7 (MANE Select); 2262 bases downstream of the stop codon, A replaced by G.
Molecular consequence: 3 prime UTR variant.
Genome position (GRCh38, 1-based): chr9:132,261,977, T>C on the plus strand (A>G on the coding strand, the complement: SETX is on the minus strand). VCF-style: chr9-132261977-T-C. GRCh37 (hg19) VCF-style: chr9-135137364-T-C.
Other names: c.*2262A>G (NM_001351527.2, NM_001351528.2).
Identifiers: ClinVar variation 365305 (VCV000365305.9), dbSNP rs997784, ClinGen allele CA10626615.